The following is an entry in ClinVar:

NM_001145252.3(CFP):c.1292T>C (p.Phe431Ser)

Gene: CFP (complement factor properdin; minus strand). Cytogenetic location: Xp11.23.
Variant type: single nucleotide variant.
Coding change: c.1292T>C on transcript NM_001145252.3 (MANE Select); coding-DNA position 1292, T replaced by C.
Protein change: p.Phe431Ser; replaces phenylalanine 431 with serine.
Molecular consequence: missense variant.
Genome position (GRCh38, 1-based): chrX:47,624,393, A>G on the plus strand (T>C on the coding strand, the complement: CFP is on the minus strand). VCF-style: chrX-47624393-A-G. GRCh37 (hg19) VCF-style: chrX-47483792-A-G.
Other names: c.1292T>C, p.Phe431Ser (NM_002621.2); short protein forms F431S.
Identifiers: ClinVar variation 4808730 (VCV004808730.1).
Genomic context (GRCh38, chrX:47,624,393, plus strand): 5'-TCCTCCACCACCAGCTTCTGCCCTTGTAGCTCCTCACACCGTGGCAGCGGTCTCCCCCAG[A>G]AGGTCACGTTCTTCTCGCCCTGACCTTCGACCATGGAAACGGTGGGCCTGAGGCATTAGG-3'
Protein context (NP_001138724.1, residues 421-441): VEGQGEKNVT[Phe431Ser]WGRPLPRCEE

ClinVar aggregate classification (germline): Uncertain significance (1 of 4 stars; one submission).

Submission:

Labcorp Genetics (formerly Invitae), Labcorp
Classification: Uncertain significance. Last evaluated: 2025-05-14. Review status: criteria provided, single submitter. Criteria: Invitae Variant Classification Sherloc (09022015). Collection method: clinical testing. Allele origin: germline.
Comment: This sequence change replaces phenylalanine, which is neutral and non-polar, with serine, which is neutral and polar, at codon 431 of the CFP protein (p.Phe431Ser). This variant is present in population databases (rs767295636, gnomAD 0.008%). This variant has not been reported in the literature in individuals affected with CFP-related conditions. Invitae Evidence Modeling of protein sequence and biophysical properties (such as structural, functional, and spatial information, amino acid conservation, physicochemical variation, residue mobility, and thermodynamic stability) indicates that this missense variant is expected to disrupt CFP protein function with a positive predictive value of 80%. In summary, the available evidence is currently insufficient to determine the role of this variant in disease. Therefore, it has been classified as a Variant of Uncertain Significance.